The following is an entry in ClinVar:

NM_000834.5(GRIN2B):c.*15750G>C

Gene: GRIN2B (glutamate ionotropic receptor NMDA type subunit 2B; minus strand). Cytogenetic location: 12p13.1.
Variant type: single nucleotide variant.
Coding change: c.*15750G>C on transcript NM_000834.5 (MANE Select); 15750 bases downstream of the stop codon, G replaced by C.
Molecular consequence: 3 prime UTR variant.
Genome position (GRCh38, 1-based): chr12:13,547,033, C>G on the plus strand (G>C on the coding strand, the complement: GRIN2B is on the minus strand). VCF-style: chr12-13547033-C-G. GRCh37 (hg19) VCF-style: chr12-13699967-C-G.
Other names: c.*15750G>C (NM_001413992.1).
Identifiers: ClinVar variation 4851715 (VCV004851715.1).

ClinVar aggregate classification (germline): Uncertain significance (1 of 4 stars; one submission).

Submission:

Greenwood Genetic Center Diagnostic Laboratories, Greenwood Genetic Center
Classification: Uncertain significance. Last evaluated: 2025-02-26. Review status: criteria provided, single submitter. Criteria: ACMG Guidelines, 2015. Collection method: clinical testing. Allele origin: germline.
Comment: PM2